The following is an entry in ClinVar:

NM_001164508.2(NEB):c.17436T>C (p.Val5812=)

Gene: NEB (nebulin; minus strand). Cytogenetic location: 2q23.3.
Variant type: single nucleotide variant.
Coding change: c.17436T>C on transcript NM_001164508.2 (MANE Select); coding-DNA position 17436, T replaced by C.
Protein change: p.Val5812=; no amino-acid change (valine 5812 retained).
Molecular consequence: synonymous variant.
Genome position (GRCh38, 1-based): chr2:151,569,367, A>G on the plus strand (T>C on the coding strand, the complement: NEB is on the minus strand). VCF-style: chr2-151569367-A-G. GRCh37 (hg19) VCF-style: chr2-152425881-A-G.
Other names: c.17436T>C, p.Val5812= (NM_001164507.2, NM_001271208.2); c.12333T>C, p.Val4111= (NM_004543.5).
Identifiers: ClinVar variation 3257446 (VCV003257446.17).

ClinVar aggregate classification (germline): Likely benign (1 of 4 stars; one submission).

Submission:

CeGaT Center for Human Genetics Tuebingen
Classification: Likely benign. Last evaluated: 2024-07-01. Review status: criteria provided, single submitter. Criteria: CeGaT Center For Human Genetics Tuebingen Variant Classification Criteria Version 2. Collection method: clinical testing. Allele origin: germline. Affected: yes. Observed: 1 variant allele.
Comment: NEB: PM2:Supporting, BP4, BP7